The following is an entry in ClinVar:

ClinVar aggregate classification (germline): Uncertain significance (1 of 4 stars; one submission).

Submission:

GeneDx
Classification: Uncertain significance. Last evaluated: 2023-04-17. Review status: criteria provided, single submitter. Criteria: GeneDx Variant Classification Process June 2021. Collection method: clinical testing. Allele origin: germline. Affected: yes.
Comment: Not observed at significant frequency in large population cohorts (gnomAD); In silico analysis supports that this missense variant does not alter protein structure/function; Has not been previously published as pathogenic or benign to our knowledge.

NM_005334.3(HCFC1):c.5167C>G (p.Leu1723Val)

Gene: HCFC1 (host cell factor C1; minus strand). Cytogenetic location: Xq28.
Variant type: single nucleotide variant.
Coding change: c.5167C>G on transcript NM_005334.3 (MANE Select); coding-DNA position 5167, C replaced by G.
Protein change: p.Leu1723Val; replaces leucine 1723 with valine.
Molecular consequence: missense variant.
Genome position (GRCh38, 1-based): chrX:153,951,934, G>C on the plus strand (C>G on the coding strand, the complement: HCFC1 is on the minus strand). VCF-style: chrX-153951934-G-C. GRCh37 (hg19) VCF-style: chrX-153217385-G-C.
Other names: c.5302C>G, p.Leu1768Val (NM_001410705.1); short protein forms L1723V, L1768V.
Identifiers: ClinVar variation 3343105 (VCV003343105.1).